The following is an entry in ClinVar:

ClinVar aggregate classification (germline): Likely benign. Review status: reviewed by expert panel (3 of 4 stars). 4 submissions from 4 submitters: Likely benign (1). 3 of the submissions do not count toward it. Last evaluated 2017-06-29.

Conditions:
Hereditary cancer-predisposing syndrome. Also called: Tumor predisposition; Hereditary Cancer Syndrome; Hereditary neoplastic syndrome; Neoplastic Syndromes, Hereditary. Identifiers: Orphanet 140162, MedGen C0027672, MeSH D009386, MONDO:0015356.
Hereditary breast ovarian cancer syndrome. Also called: Breast and ovarian cancer; BRCA1- and BRCA2-Associated Hereditary Breast and Ovarian Cancer; Hereditary breast and ovarian cancer; Hereditary breast and ovarian cancer syndrome (HBOC); Hereditary breast and ovarian cancer syndrome; Hereditary breast and/or ovarian cancer syndrome. Identifiers: Orphanet 145, MedGen C0677776, MeSH D061325, MONDO:0003582. Disease mechanism: loss of function.
Breast-ovarian cancer, familial, susceptibility to, 2 (BROVCA2). Also called: BRCA2 Hereditary Breast and Ovarian Cancer. Identifiers: Orphanet 145, MedGen C2675520, MONDO:0012933, OMIM 612555. Disease mechanism: loss of function.

Allele frequency attached by ClinVar (database versions not stated): gnomAD exomes below 0.00001 and 0.00001; ExAC 0.00002.
gnomAD v4.1: 6 of 1,612,824 alleles (0.00037%); highest among the groups gnomAD compares: Non-Finnish European, 0.00034%; no homozygotes.

Submissions (4):

Evidence-based Network for the Interpretation of Germline Mutant Alleles (ENIGMA)
Classification: Likely benign for Breast-ovarian cancer, familial, susceptibility to, 2. Last evaluated: 2017-06-29. Review status: reviewed by expert panel. Criteria: ENIGMA BRCA1/2 Classification Criteria (2017-06-29). Collection method: curation. Allele origin: germline.
Comment: Synonymous substitution variant, with low bioinformatic likelihood to result in a splicing aberration (Splicing prior probability 0.02).

Labcorp Genetics (formerly Invitae), Labcorp
Classification: Likely benign for Hereditary breast ovarian cancer syndrome. Last evaluated: 2025-07-06. Review status: criteria provided, single submitter. Criteria: Invitae Variant Classification Sherloc (09022015). Collection method: clinical testing. Allele origin: germline. Not counted in ClinVar's aggregate classification.

Blueprint Genetics
Classification: Likely benign. Last evaluated: 2024-01-15. Review status: criteria provided, single submitter. Criteria: ACMG Guidelines, 2015. Collection method: clinical testing. Allele origin: germline. Not counted in ClinVar's aggregate classification.

Ambry Genetics
Classification: Likely benign for Hereditary cancer-predisposing syndrome. Last evaluated: 2018-11-20. Review status: criteria provided, single submitter. Criteria: Ambry Variant Classification Scheme 2023. Collection method: clinical testing. Allele origin: germline. Not counted in ClinVar's aggregate classification.

NM_000059.4(BRCA2):c.5646A>G (p.Ser1882=)

Gene: BRCA2 (BRCA2 DNA repair associated; plus strand). Cytogenetic location: 13q13.1.
Variant type: single nucleotide variant.
Coding change: c.5646A>G on transcript NM_000059.4 (MANE Select); coding-DNA position 5646, A replaced by G.
Protein change: p.Ser1882=; no amino-acid change (serine 1882 retained).
Molecular consequence: synonymous variant.
Genome position (GRCh38, 1-based): chr13:32,340,001, A>G. VCF-style: chr13-32340001-A-G. GRCh37 (hg19) VCF-style: chr13-32914138-A-G.
Identifiers: ClinVar variation 427535 (VCV000427535.16), dbSNP rs755703024, ClinGen allele CA6940893.